The following is an entry in ClinVar:

ClinVar aggregate classification (germline): Uncertain significance (1 of 4 stars; one submission).

Submission:

Labcorp Genetics (formerly Invitae), Labcorp
Classification: Uncertain significance. Last evaluated: 2024-08-29. Review status: criteria provided, single submitter. Criteria: Invitae Variant Classification Sherloc (09022015). Collection method: clinical testing. Allele origin: germline.
Comment: This sequence change replaces glutamic acid, which is acidic and polar, with alanine, which is neutral and non-polar, at codon 623 of the TNS2 protein (p.Glu623Ala). This variant is not present in population databases (gnomAD no frequency). This variant has not been reported in the literature in individuals affected with TNS2-related conditions. An algorithm developed to predict the effect of missense changes on protein structure and function (PolyPhen-2) suggests that this variant is likely to be disruptive. In summary, the available evidence is currently insufficient to determine the role of this variant in disease. Therefore, it has been classified as a Variant of Uncertain Significance.

NM_170754.4(TNS2):c.1838A>C (p.Glu613Ala)

Gene: TNS2 (tensin 2; plus strand). Cytogenetic location: 12q13.13.
Variant type: single nucleotide variant.
Coding change: c.1838A>C on transcript NM_170754.4 (MANE Select); coding-DNA position 1838, A replaced by C.
Protein change: p.Glu613Ala; replaces glutamic acid 613 with alanine.
Molecular consequence: missense variant.
Genome position (GRCh38, 1-based): chr12:53,059,479, A>C. VCF-style: chr12-53059479-A-C. GRCh37 (hg19) VCF-style: chr12-53453263-A-C.
Other names: c.1466A>C, p.Glu489Ala (NM_198316.2); c.1838A>C, p.Glu613Ala (NM_001416202.1); c.1796A>C, p.Glu599Ala (NM_001416203.1); c.1865A>C, p.Glu622Ala (NM_001416204.1); c.1769A>C, p.Glu590Ala (NM_015319.3); short protein forms E489A, E590A, E599A, E613A, E622A.
Identifiers: ClinVar variation 3624977 (VCV003624977.2).
Genomic context (GRCh38, chr12:53,059,479, plus strand): 5'-CCTGCCGCCAGGGCTACCGGGAGCCCTGCGGGGTTCCCAATGGGGGCTACTACCGGCCAG[A>C]GGGAACCCTGGAGAGGAGGCGACTGGCCTACGGGGGCTATGAGGGATCCCCCCAGGGCTA-3'
Protein context (NP_736610.2, residues 603-623): GVPNGGYYRP[Glu613Ala]GTLERRRLAY